The following is an entry in ClinVar:

NM_002519.3(NPAT):c.2002G>A (p.Glu668Lys)

Gene: NPAT (nuclear protein, coactivator of histone transcription; minus strand). Cytogenetic location: 11q22.3.
Variant type: single nucleotide variant.
Coding change: c.2002G>A on transcript NM_002519.3 (MANE Select); coding-DNA position 2002, G replaced by A.
Protein change: p.Glu668Lys; replaces glutamic acid 668 with lysine.
Molecular consequence: missense variant.
Genome position (GRCh38, 1-based): chr11:108,172,982, C>T on the plus strand (G>A on the coding strand, the complement: NPAT is on the minus strand). VCF-style: chr11-108172982-C-T. GRCh37 (hg19) VCF-style: chr11-108043709-C-T.
Other names: c.2002G>A, p.Glu668Lys (NM_001321307.1); short protein forms E668K.
Identifiers: ClinVar variation 1784268 (VCV001784268.2), dbSNP rs764367529, ClinGen allele CA6263907.
Genomic context (GRCh38, chr11:108,172,982, plus strand): 5'-TCAGTGCAACTTTCTCACAGTTAGCATTTCCACCTAAAGAGAGAAAAATAGTATTCTCTT[C>T]TTTTACAGAAGATGAAGGCTCCTGTGAATTCTCAGACTTGGATGCCTGAGCTTCATTTTC-3'
Protein context (NP_002510.2, residues 658-678): NSQEPSSSVK[Glu668Lys]ENTIFLSLGG

ClinVar aggregate classification (germline): Uncertain significance (1 of 4 stars; one submission).

gnomAD v4.1: 16 of 1,614,090 alleles (0.00099%); highest among the groups gnomAD compares: South Asian, 0.018%; no homozygotes.

Submission:

Ambry Genetics
Classification: Uncertain significance. Last evaluated: 2021-06-27. Review status: criteria provided, single submitter. Criteria: Ambry Variant Classification Scheme 2023. Collection method: clinical testing. Allele origin: germline.
Comment: The p.E668K variant (also known as c.2002G>A), located in coding exon 13 of the NPAT gene, results from a G to A substitution at nucleotide position 2002. The glutamic acid at codon 668 is replaced by lysine, an amino acid with similar properties. This amino acid position is conserved. In addition, this alteration is predicted to be tolerated by in silico analysis. Since supporting evidence is limited at this time, the clinical significance of this alteration remains unclear.